The following is an entry in ClinVar:

ClinVar aggregate classification (germline): Uncertain significance. Review status: criteria provided, multiple submitters, no conflicts (2 of 4 stars). 2 submissions from 2 submitters: Uncertain significance (2). Last evaluated 2025-10-21.

Submissions (2):

Labcorp Genetics (formerly Invitae), Labcorp
Classification: Uncertain significance. Last evaluated: 2025-10-21. Review status: criteria provided, single submitter. Criteria: Invitae Variant Classification Sherloc (09022015). Collection method: clinical testing. Allele origin: germline.
Comment: This sequence change replaces serine, which is neutral and polar, with tyrosine, which is neutral and polar, at codon 29 of the RGR protein (p.Ser29Tyr). This variant is not present in population databases (gnomAD no frequency). This variant has not been reported in the literature in individuals affected with RGR-related conditions. ClinVar contains an entry for this variant (Variation ID: 1713538). Experimental studies and prediction algorithms are not available or were not evaluated, and the functional significance of this variant is currently unknown. In summary, the available evidence is currently insufficient to determine the role of this variant in disease. Therefore, it has been classified as a Variant of Uncertain Significance.

Blueprint Genetics
Classification: Uncertain significance. Last evaluated: 2020-01-14. Review status: criteria provided, single submitter. Criteria: ACMG Guidelines, 2015. Collection method: clinical testing. Allele origin: germline.

NM_001012720.2(RGR):c.86C>A (p.Ser29Tyr)

Gene: RGR (retinal G protein coupled receptor; plus strand). Cytogenetic location: 10q23.1.
Variant type: single nucleotide variant.
Coding change: c.86C>A on transcript NM_001012720.2 (MANE Select); coding-DNA position 86, C replaced by A.
Protein change: p.Ser29Tyr; replaces serine 29 with tyrosine.
Molecular consequence: missense variant.
Genome position (GRCh38, 1-based): chr10:84,247,597, C>A. VCF-style: chr10-84247597-C-A. GRCh37 (hg19) VCF-style: chr10-86007353-C-A.
Other names: c.86C>A, p.Ser29Tyr (NM_001012722.2, NM_002921.4); short protein forms S29Y.
Identifiers: ClinVar variation 1713538 (VCV001713538.6), dbSNP rs2492625286, ClinGen allele CA377390589.